The following is an entry in ClinVar:

NM_001211.6(BUB1B):c.218A>T (p.Asp73Val)

Gene: BUB1B (BUB1 mitotic checkpoint serine/threonine kinase B; plus strand). Cytogenetic location: 15q15.1.
Variant type: single nucleotide variant.
Coding change: c.218A>T on transcript NM_001211.6 (MANE Select); coding-DNA position 218, A replaced by T.
Protein change: p.Asp73Val; replaces aspartic acid 73 with valine.
Molecular consequence: missense variant.
Genome position (GRCh38, 1-based): chr15:40,170,100, A>T. VCF-style: chr15-40170100-A-T. GRCh37 (hg19) VCF-style: chr15-40462301-A-T.
Other names: short protein forms D73V.
Identifiers: ClinVar variation 5033548 (VCV005033548.1).

ClinVar aggregate classification (germline): Uncertain significance (1 of 4 stars; one submission).

Conditions:
Inborn genetic diseases. Identifiers: MedGen C0950123, MeSH D030342.

Submission:

Ambry Genetics
Classification: Uncertain significance for Inborn genetic diseases. Last evaluated: 2026-09-07. Review status: criteria provided, single submitter. Criteria: Ambry Variant Classification Scheme 2023. Collection method: clinical testing. Allele origin: germline.
Comment: The p.D73V variant (also known as c.218A>T), located in coding exon 3 of the BUB1B gene, results from an A to T substitution at nucleotide position 218. The aspartic acid at codon 73 is replaced by valine, an amino acid with highly dissimilar properties. This amino acid position is conserved. In addition, this alteration is predicted to be deleterious by in silico analysis. Based on the available evidence, the clinical significance of this variant remains unclear.